The following is an entry in ClinVar:

NM_000478.6(ALPL):c.553del (p.Asp185fs)

Gene: ALPL (alkaline phosphatase, biomineralization associated; plus strand). Cytogenetic location: 1p36.12.
Variant type: Deletion.
Coding change: c.553del on transcript NM_000478.6 (MANE Select); coding-DNA position 553, one base deleted (G; older notation c.553delG).
Protein change: p.Asp185fs; shifts the reading frame from aspartic acid 185.
Molecular consequence: frameshift variant.
Genome position (GRCh38, 1-based): chr1:21,564,121, G deleted; the last of 3 consecutive G bases (chr1:21,564,119-21,564,121); deleting any one gives the same sequence. VCF-style (leftmost placement, unchanged base first): chr1-21564118-CG-C. GRCh37 (hg19) VCF-style: chr1-21890611-CG-C.
Other names: c.388del, p.Asp130fs (NM_001127501.4); c.322del, p.Asp108fs (NM_001177520.3); c.553del, p.Asp185fs (NM_001369803.2, NM_001369804.2, NM_001369805.2); short protein forms D108fs, D130fs, D185fs.
Identifiers: ClinVar variation 5015948 (VCV005015948.1).
Genomic context (GRCh38, chr1:21,564,118, plus strand): 5'-GTGACCACCACGAGAGTGAACCATGCCACCCCCAGCGCCGCCTACGCCCACTCGGCTGAC[CG>C]GGACTGGTACTCAGACAACGAGATGCCCCCTGAGGCCTTGAGCCAGGGCTGTAAGGACAT-3'

ClinVar aggregate classification (germline): Pathogenic (1 of 4 stars; one submission).

Conditions:
Hypophosphatasia. Also called: Phosphoethanol-aminuria. Identifiers: Orphanet 436, MedGen C0020630, MeSH D007014, MONDO:0018570.

Submission:

Myriad Genetics, Inc.
Classification: Pathogenic for Hypophosphatasia. Last evaluated: 2026-05-23. Review status: criteria provided, single submitter. Criteria: Myriad Autosomal Dominant, Autosomal Recessive and X-Linked Classification Criteria (2023). Collection method: clinical testing. Allele origin: unknown.
Comment: NM_000478.4(ALPL):c.553delG(D185Tfs*13) is expected to be pathogenic in the context of hypophosphatasia. This variant is predicted to lead to an abnormal or absent protein product due to the creation of a premature termination codon in ALPL, a gene where loss-of-function variants are known to be pathogenic. Please note: this variant was assessed in the context of healthy population screening.